The following is an entry in ClinVar:

NM_153676.4(USH1C):c.734C>G (p.Ser245Cys)

Gene: USH1C (USH1 protein network component harmonin; minus strand). Cytogenetic location: 11p15.1.
Variant type: single nucleotide variant.
Coding change: c.734C>G on transcript NM_153676.4 (MANE Select); coding-DNA position 734, C replaced by G.
Protein change: p.Ser245Cys; replaces serine 245 with cysteine.
Molecular consequence: missense variant. On other transcripts: non-coding transcript variant (1).
Genome position (GRCh38, 1-based): chr11:17,524,476, G>C on the plus strand (C>G on the coding strand, the complement: USH1C is on the minus strand). VCF-style: chr11-17524476-G-C. GRCh37 (hg19) VCF-style: chr11-17546023-G-C.
Other names: c.734C>G, p.Ser245Cys (NM_001297764.2, NM_005709.4); short protein forms S245C.
Identifiers: ClinVar variation 3012221 (VCV003012221.3), dbSNP rs1221670905, ClinGen allele CA379790776.

ClinVar aggregate classification (germline): Uncertain significance (1 of 4 stars; one submission).

Allele frequency attached by ClinVar (database versions not stated): TOPMed below 0.00001.
gnomAD v4.1: 4 of 1,574,976 alleles (0.00025%); highest among the groups gnomAD compares: Admixed American, 0.0018%; no homozygotes.

Submission:

Labcorp Genetics (formerly Invitae), Labcorp
Classification: Uncertain significance. Last evaluated: 2025-01-15. Review status: criteria provided, single submitter. Criteria: Invitae Variant Classification Sherloc (09022015). Collection method: clinical testing. Allele origin: germline.
Comment: This sequence change replaces serine, which is neutral and polar, with cysteine, which is neutral and slightly polar, at codon 245 of the USH1C protein (p.Ser245Cys). This variant is present in population databases (no rsID available, gnomAD 0.003%). This variant has not been reported in the literature in individuals affected with USH1C-related conditions. ClinVar contains an entry for this variant (Variation ID: 3012221). An algorithm developed to predict the effect of missense changes on protein structure and function (PolyPhen-2) suggests that this variant is likely to be disruptive. In summary, the available evidence is currently insufficient to determine the role of this variant in disease. Therefore, it has been classified as a Variant of Uncertain Significance.